The following is an entry in ClinVar:

ClinVar aggregate classification (germline): Uncertain significance. Review status: criteria provided, multiple submitters, no conflicts (2 of 4 stars). 2 submissions from 2 submitters: Uncertain significance (2). Last evaluated 2023-08-15.

Conditions:
RYR1-related disorder. Also called: RYR1-related condition; RYR1-related disorders. Identifiers: MedGen CN239331.
Malignant hyperthermia, susceptibility to, 1 (MHS1). Also called: Malignant hyperthermia suceptibility 1; Anesthesia related hyperthermia; Malignant hyperpyrexia; Fulminating hyperpyrexia; Pharmacogenic myopathy; RYR1-Related Malignant Hyperthermia Susceptibility. Identifiers: Orphanet 423, MedGen C2930980, MONDO:0007783, OMIM 145600.

Allele frequency attached by ClinVar (database versions not stated): gnomAD exomes below 0.00001; TOPMed below 0.00001; gnomAD 0.00001.
gnomAD v4.1: 4 of 1,612,788 alleles (0.00025%); highest among the groups gnomAD compares: Non-Finnish European, 0.00025%; no homozygotes.

Submissions (2):

All of Us Research Program, National Institutes of Health
Classification: Uncertain significance for Malignant hyperthermia, susceptibility to, 1. Last evaluated: 2023-08-15. Review status: criteria provided, single submitter. Criteria: ACMG Guidelines, 2015. Collection method: clinical testing. Allele origin: germline. Inheritance: Autosomal dominant inheritance. Observed: 1 variant allele, 1 heterozygote.
Comment: This missense variant replaces alanine with aspartic acid at codon 2445 of the RYR1 protein. Computational prediction is inconclusive regarding the impact of this variant on protein structure and function (internally defined REVEL score threshold 0.5 < inconclusive < 0.7, PMID: 27666373). To our knowledge, functional studies have not been reported for this variant. This variant has not been reported in individuals affected with RYR1-related disorders in the literature. This variant has been identified in 1/250978 chromosomes in the general population by the Genome Aggregation Database (gnomAD). The available evidence is insufficient to determine the role of this variant in disease conclusively. Therefore, this variant is classified as a Variant of Uncertain Significance.

This study involves interpretation of variants in research participants for the purpose of population health screening. Participant phenotype was not available at the time of variant classification. Additional details can be found in publication PMID: 35346344, PMCID: PMC8962531

Labcorp Genetics (formerly Invitae), Labcorp
Classification: Uncertain significance for RYR1-related disorder. Last evaluated: 2023-06-15. Review status: criteria provided, single submitter. Criteria: Invitae Variant Classification Sherloc (09022015). Collection method: clinical testing. Allele origin: germline.
Comment: This sequence change replaces alanine, which is neutral and non-polar, with aspartic acid, which is acidic and polar, at codon 2445 of the RYR1 protein (p.Ala2445Asp). This variant is present in population databases (no rsID available, gnomAD 0.0009%). This variant has not been reported in the literature in individuals affected with RYR1-related conditions. Advanced modeling of protein sequence and biophysical properties (such as structural, functional, and spatial information, amino acid conservation, physicochemical variation, residue mobility, and thermodynamic stability) has been performed at Invitae for this missense variant, however the output from this modeling did not meet the statistical confidence thresholds required to predict the impact of this variant on RYR1 protein function. In summary, the available evidence is currently insufficient to determine the role of this variant in disease. Therefore, it has been classified as a Variant of Uncertain Significance.

NM_000540.3(RYR1):c.7334C>A (p.Ala2445Asp)

Gene: RYR1 (ryanodine receptor 1; plus strand). Cytogenetic location: 19q13.2.
Variant type: single nucleotide variant.
Coding change: c.7334C>A on transcript NM_000540.3 (MANE Select); coding-DNA position 7334, C replaced by A.
Protein change: p.Ala2445Asp; replaces alanine 2445 with aspartic acid.
Molecular consequence: missense variant.
Genome position (GRCh38, 1-based): chr19:38,500,616, C>A. VCF-style: chr19-38500616-C-A. GRCh37 (hg19) VCF-style: chr19-38991256-C-A.
Other names: c.7334C>A, p.Ala2445Asp (NM_001042723.2); short protein forms A2445D.
Identifiers: ClinVar variation 2713460 (VCV002713460.4), dbSNP rs1488717896, ClinGen allele CA082411.
Genomic context (GRCh38, chr19:38,500,616, plus strand): 5'-TGGGGCACCAGCGCCTGATGAGTGCCCCTCTCCCTCCCTCTACTCCCCAGCTAATCCAAG[C>A]CGGCAAGGGTGAGGCCCTGCGGATCCGCGCCATCCTCCGCTCCCTTGTGCCCTTGGAGGA-3'
Protein context (NP_000531.2, residues 2435-2455): RCAPEMHLIQ[Ala2445Asp]GKGEALRIRA